The following is an entry in ClinVar:

ClinVar aggregate classification (germline): Uncertain significance (1 of 4 stars; one submission).

Submission:

GeneDx
Classification: Uncertain significance. Last evaluated: 2025-11-30. Review status: criteria provided, single submitter. Criteria: GeneDx Variant Classification Process June 2021. Collection method: clinical testing. Allele origin: germline.
Comment: Not observed at significant frequency in large population cohorts (gnomAD); In silico analysis supports that this missense variant has a deleterious effect on protein structure/function; Has not been previously published as pathogenic or benign to our knowledge

NM_001042424.3(NSD2):c.319G>C (p.Gly107Arg)

Gene: NSD2 (nuclear receptor binding SET domain protein 2; plus strand). Cytogenetic location: 4p16.3.
Variant type: single nucleotide variant.
Coding change: c.319G>C on transcript NM_001042424.3 (MANE Select); coding-DNA position 319, G replaced by C.
Protein change: p.Gly107Arg; replaces glycine 107 with arginine.
Molecular consequence: missense variant.
Genome position (GRCh38, 1-based): chr4:1,900,973, G>C. VCF-style: chr4-1900973-G-C. GRCh37 (hg19) VCF-style: chr4-1902700-G-C.
Other names: c.319G>C, p.Gly107Arg (NM_007331.2, NM_133330.3, NM_133331.3 and 2 more transcripts); short protein forms G107R.
Identifiers: ClinVar variation 4070869 (VCV004070869.2).